The following is an entry in ClinVar:

NM_021975.4(RELA):c.1063C>G (p.Leu355Val)

Gene: RELA (RELA proto-oncogene, NF-kB subunit; minus strand). Cytogenetic location: 11q13.1.
Variant type: single nucleotide variant.
Coding change: c.1063C>G on transcript NM_021975.4 (MANE Select); coding-DNA position 1063, C replaced by G.
Protein change: p.Leu355Val; replaces leucine 355 with valine.
Molecular consequence: missense variant. On other transcripts: intron variant (1).
Genome position (GRCh38, 1-based): chr11:65,654,971, G>C on the plus strand (C>G on the coding strand, the complement: RELA is on the minus strand). VCF-style: chr11-65654971-G-C. GRCh37 (hg19) VCF-style: chr11-65422442-G-C.
Other names: c.1034-178C>G (NM_001243984.2); c.1054C>G, p.Leu352Val (NM_001145138.2); c.1063C>G, p.Leu355Val (NM_001243985.2); c.1096C>G, p.Leu366Val (NM_001404657.1); c.1036C>G, p.Leu346Val (NM_001404658.1); c.850C>G, p.Leu284Val (NM_001404659.1); c.745C>G, p.Leu249Val (NM_001404660.1); c.682C>G, p.Leu228Val (NM_001404661.1); and 1 more; short protein forms L284V, L228V, L346V, L352V, L249V, L355V, L324V, L366V.
Identifiers: ClinVar variation 2807127 (VCV002807127.3), dbSNP rs2496828487, ClinGen allele CA381388321.

ClinVar aggregate classification (germline): Uncertain significance (1 of 4 stars; one submission).

Submission:

Labcorp Genetics (formerly Invitae), Labcorp
Classification: Uncertain significance. Last evaluated: 2023-10-09. Review status: criteria provided, single submitter. Criteria: Invitae Variant Classification Sherloc (09022015). Collection method: clinical testing. Allele origin: germline.
Comment: This sequence change replaces leucine, which is neutral and non-polar, with valine, which is neutral and non-polar, at codon 355 of the RELA protein (p.Leu355Val). This variant is not present in population databases (gnomAD no frequency). This variant has not been reported in the literature in individuals affected with RELA-related conditions. An algorithm developed to predict the effect of missense changes on protein structure and function (PolyPhen-2) suggests that this variant is likely to be tolerated. In summary, the available evidence is currently insufficient to determine the role of this variant in disease. Therefore, it has been classified as a Variant of Uncertain Significance.